The following is an entry in ClinVar:

ClinVar aggregate classification (germline): Pathogenic (1 of 4 stars; one submission).

Conditions:
Short-rib thoracic dysplasia 13 with or without polydactyly (SRTD13). Identifiers: Orphanet 474, MedGen C4225378, MONDO:0014577, OMIM 616300.

Submission:

Labcorp Genetics (formerly Invitae), Labcorp
Classification: Pathogenic for Short-rib thoracic dysplasia 13 with or without polydactyly. Last evaluated: 2023-07-17. Review status: criteria provided, single submitter. Criteria: Invitae Variant Classification Sherloc (09022015). Collection method: clinical testing. Allele origin: germline.
Comment: This sequence change creates a premature translational stop signal (p.Glu736Glyfs*22) in the CEP120 gene. It is expected to result in an absent or disrupted protein product. Loss-of-function variants in CEP120 are known to be pathogenic (PMID: 25251415, 27208211). This variant is not present in population databases (gnomAD no frequency). This variant has not been reported in the literature in individuals affected with CEP120-related conditions. ClinVar contains an entry for this variant (Variation ID: 1076569). For these reasons, this variant has been classified as Pathogenic.

Literature cited by the submitters: PubMed 25251415; PubMed 27208211.

NM_001375405.1(CEP120):c.2206dup (p.Glu736fs)

Gene: CEP120 (centrosomal protein 120; minus strand). Cytogenetic location: 5q23.2.
Variant type: Duplication.
Coding change: c.2206dup on transcript NM_001375405.1 (MANE Select); coding-DNA position 2206, one base duplicated (G; older notation c.2206dupG).
Protein change: p.Glu736fs; shifts the reading frame from glutamic acid 736.
Molecular consequence: frameshift variant. On other transcripts: non-coding transcript variant (1).
Genome position (GRCh38, 1-based): chr5:123,377,526, C duplicated on the plus strand (G on the coding strand, the reverse complement: CEP120 is on the minus strand). VCF-style (leftmost placement, unchanged base first): chr5-123377525-T-TC. GRCh37 (hg19) VCF-style: chr5-122713219-T-TC.
Other names: c.2128dup, p.Glu710fs (NM_001166226.2); c.2071dup, p.Glu691fs (NM_001375406.1); c.2206dup, p.Glu736fs (NM_001375407.1, NM_153223.4); c.1633dup, p.Glu545fs (NM_001375408.1, NM_001375409.1); short protein forms E545fs, E691fs, E710fs, E736fs.
Identifiers: ClinVar variation 1076569 (VCV001076569.7), dbSNP rs2127034914, ClinGen allele CA2499217517.